The following is an entry in ClinVar:

ClinVar aggregate classification (germline): Likely pathogenic (1 of 4 stars; one submission).

Submission:

CeGaT Center for Human Genetics Tuebingen
Classification: Likely pathogenic. Last evaluated: 2024-08-01. Review status: criteria provided, single submitter. Criteria: CeGaT Center For Human Genetics Tuebingen Variant Classification Criteria Version 2. Collection method: clinical testing. Allele origin: germline. Affected: yes. Observed: 2 variant alleles.
Comment: NKX2-5: PM2, PM5, PP1, PP3, PS4:Supporting

NM_004387.4(NKX2-5):c.550A>T (p.Ile184Phe)

Gene: NKX2-5 (NK2 homeobox 5; minus strand). Cytogenetic location: 5q35.1.
Variant type: single nucleotide variant.
Coding change: c.550A>T on transcript NM_004387.4 (MANE Select); coding-DNA position 550, A replaced by T.
Protein change: p.Ile184Phe; replaces isoleucine 184 with phenylalanine.
Molecular consequence: missense variant. On other transcripts: 3 prime UTR variant (2).
Genome position (GRCh38, 1-based): chr5:173,232,994, T>A on the plus strand (A>T on the coding strand, the complement: NKX2-5 is on the minus strand). VCF-style: chr5-173232994-T-A. GRCh37 (hg19) VCF-style: chr5-172659997-T-A.
Other names: c.*503A>T (NM_001166175.2); c.*349A>T (NM_001166176.2); short protein forms I184F.
Identifiers: ClinVar variation 3026528 (VCV003026528.22), dbSNP rs2480072905, ClinGen allele CA362161636.
Genomic context (GRCh38, chr5:173,232,994, plus strand): 5'-GCTCCAGAGTCTGGTCCTGCCGCTGCCGCTTGCACTTGTAGCGCCGGTTCTGGAACCAGA[T>A]CTTGACCTGCGTGGACGTGAGTTTCAGCACGCTGGCCAGCTGGTCGCGTTCGGGGGCCGA-3'
Protein context (NP_004378.1, residues 174-194): VLKLTSTQVK[Ile184Phe]WFQNRRYKCK